The following is an entry in ClinVar:

ClinVar aggregate classification (germline): Pathogenic (1 of 4 stars; one submission).

Conditions:
Amyotrophic lateral sclerosis type 16. Also called: AMYOTROPHIC LATERAL SCLEROSIS 16, JUVENILE. Identifiers: Orphanet 300605, MedGen C3280587, MONDO:0013715, OMIM 614373.
Autosomal recessive distal spinal muscular atrophy 2. Also called: NEURONOPATHY, DISTAL HEREDITARY MOTOR, JERASH TYPE; NEUROPATHY, DISTAL HEREDITARY MOTOR, JERASH TYPE; SPINAL MUSCULAR ATROPHY, JERASH TYPE; Hereditary motor neuropathy, Jerash type; Motor neuropathy, distal, Jerash type; NEUROPATHY, DISTAL HEREDITARY MOTOR, AUTOSOMAL RECESSIVE 2. Identifiers: Orphanet 139552, MedGen C1854023, MONDO:0011585, OMIM 605726.

Submission:

Labcorp Genetics (formerly Invitae), Labcorp
Classification: Pathogenic for Autosomal recessive distal spinal muscular atrophy 2; Amyotrophic lateral sclerosis type 16. Last evaluated: 2024-08-31. Review status: criteria provided, single submitter. Criteria: Invitae Variant Classification Sherloc (09022015). Collection method: clinical testing. Allele origin: germline.
Comment: This sequence change results in a frameshift in the SIGMAR1 gene (p.Val153Argfs*104). While this is not anticipated to result in nonsense mediated decay, it is expected to disrupt the last 71 amino acid(s) of the SIGMAR1 protein and extend the protein by 32 additional amino acid residues. This variant is not present in population databases (gnomAD no frequency). This variant has not been reported in the literature in individuals affected with SIGMAR1-related conditions. This variant disrupts a region of the SIGMAR1 protein in which other variant(s) (p.Asn167Ile) have been determined to be pathogenic (PMID: 31511340). This suggests that this is a clinically significant region of the protein, and that variants that disrupt it are likely to be disease-causing. For these reasons, this variant has been classified as Pathogenic.

Literature cited by the submitters: PubMed 31511340.

NM_005866.4(SIGMAR1):c.456_471del (p.Val153fs)

Gene: SIGMAR1 (sigma receptor chaperone 1; minus strand). Cytogenetic location: 9p13.3.
Variant type: Deletion.
Coding change: c.456_471del on transcript NM_005866.4 (MANE Select); coding-DNA positions 456 to 471, 16 bases deleted (AGTACACGGGCCTGGT).
Protein change: p.Val153fs; shifts the reading frame from valine 153.
Molecular consequence: frameshift variant. On other transcripts: non-coding transcript variant (1), intron variant (1).
Genome position (GRCh38, 1-based): chr9:34,635,833-34,635,848, ACCAGGCCCGTGTACT deleted on the plus strand (AGTACACGGGCCTGGT on the coding strand, the reverse complement: SIGMAR1 is on the minus strand); deleting any 16 consecutive bases within chr9:34,635,833-34,635,851 gives the same sequence; the c. name uses the placement nearest the transcript's 3' end. VCF-style (leftmost placement, unchanged base first): chr9-34635832-CACCAGGCCCGTGTACT-C. GRCh37 (hg19) VCF-style: chr9-34635829-CACCAGGCCCGTGTACT-C.
Other names: c.156_171del, p.Val53fs (NM_001282206.2); c.396_411del, p.Val133fs (NM_001282207.2); c.479_*14del, p.Arg159_Ter160insTer (NM_001282208.2); c.316_331del, p.Ser106fs (NM_001282209.2); c.363_378del, p.Val122fs (NM_147157.3); c.446-208_446-193del (NM_001282205.2); short protein forms V153fs, V122fs, V133fs, V53fs, S106fs.
Identifiers: ClinVar variation 2938415 (VCV002938415.3), dbSNP rs2492811707, ClinGen allele CA2579328206.